The following is an entry in ClinVar:

NM_182961.4(SYNE1):c.18622C>G (p.Gln6208Glu)

Gene: SYNE1 (spectrin repeat containing nuclear envelope protein 1; minus strand). Cytogenetic location: 6q25.2.
Variant type: single nucleotide variant.
Coding change: c.18622C>G on transcript NM_182961.4 (MANE Select); coding-DNA position 18622, C replaced by G.
Protein change: p.Gln6208Glu; replaces glutamine 6208 with glutamic acid.
Molecular consequence: missense variant.
Genome position (GRCh38, 1-based): chr6:152,269,238, G>C on the plus strand (C>G on the coding strand, the complement: SYNE1 is on the minus strand). VCF-style: chr6-152269238-G-C. GRCh37 (hg19) VCF-style: chr6-152590373-G-C.
Other names: p.Gln6137Glu; c.18622C>G (NM_182961.2); c.18409C>G, p.Gln6137Glu (NM_033071.5); short protein forms Q6137E, Q6208E.
Identifiers: ClinVar variation 286002 (VCV000286002.15), dbSNP rs558425673, ClinGen allele CA4054905.

ClinVar aggregate classification (germline): Uncertain significance. Review status: criteria provided, multiple submitters, no conflicts (2 of 4 stars). 5 submissions from 5 submitters: Uncertain significance (5). Last evaluated 2025-05-30.

Conditions:
Autosomal recessive ataxia, Beauce type. Also called: Spinocerebellar ataxia, autosomal recessive 8; ATAXIA, RECESSIVE, OF BEAUCE; SYNE1 Deficiency; SYNE1-Related Autosomal Recessive Cerebellar Ataxia. Identifiers: Orphanet 88644, MedGen C1853116, MONDO:0012549, OMIM 610743.
Emery-Dreifuss muscular dystrophy 4, autosomal dominant (EDMD4). Also called: EMERY-DREIFUSS MUSCULAR DYSTROPHY 4 WITH VARIABLE FEATURES. Identifiers: Orphanet 261, MedGen C2751807, MONDO:0013071, OMIM 612998.

Allele frequency attached by ClinVar (database versions not stated): ExAC 0.00002; gnomAD 0.00003; gnomAD exomes 0.00003 and 0.00008; TOPMed 0.00004.
gnomAD v4.1: 123 of 1,614,054 alleles (0.0076%); highest among the groups gnomAD compares: Non-Finnish European, 0.0097%; no homozygotes.

Submissions (5):

Mayo Clinic Laboratories, Mayo Clinic
Classification: Uncertain significance. Last evaluated: 2025-05-30. Review status: criteria provided, single submitter. Criteria: ACMG Guidelines, 2015. Collection method: clinical testing. Allele origin: germline. Observed: 2 variant alleles.
Comment: BP4_moderate

Revvity Omics, Revvity
Classification: Uncertain significance. Last evaluated: 2025-03-13. Review status: criteria provided, single submitter. Criteria: ACMG Guidelines, 2015. Collection method: clinical testing. Allele origin: germline.

Athena Diagnostics
Classification: Uncertain significance. Last evaluated: 2023-09-12. Review status: criteria provided, single submitter. Criteria: Athena Diagnostics Criteria. Collection method: clinical testing. Allele origin: unknown.
Comment: Available data are insufficient to determine the clinical significance of the variant at this time. The frequency of this variant in the general population is uninformative in assessment of its pathogenicity. Computational tools disagree on the variant's effect on normal protein function.

Labcorp Genetics (formerly Invitae), Labcorp
Classification: Uncertain significance for Emery-Dreifuss muscular dystrophy 4, autosomal dominant; Autosomal recessive ataxia, Beauce type. Last evaluated: 2022-03-18. Review status: criteria provided, single submitter. Criteria: Invitae Variant Classification Sherloc (09022015). Collection method: clinical testing. Allele origin: germline.
Comment: This sequence change replaces glutamine, which is neutral and polar, with glutamic acid, which is acidic and polar, at codon 6137 of the SYNE1 protein (p.Gln6137Glu). This variant is present in population databases (rs558425673, gnomAD 0.01%). This variant has not been reported in the literature in individuals affected with SYNE1-related conditions. ClinVar contains an entry for this variant (Variation ID: 286002). Algorithms developed to predict the effect of missense changes on protein structure and function (SIFT, PolyPhen-2, Align-GVGD) all suggest that this variant is likely to be disruptive. In summary, the available evidence is currently insufficient to determine the role of this variant in disease. Therefore, it has been classified as a Variant of Uncertain Significance.

Eurofins Ntd Llc (ga)
Classification: Uncertain significance. Last evaluated: 2016-02-16. Review status: criteria provided, single submitter. Criteria: EGL Classification Definitions 2015. Collection method: clinical testing. Allele origin: germline. Observed: 1 variant allele, 1 heterozygote.